The following is an entry in ClinVar:

NM_000038.6(APC):c.1448G>C (p.Cys483Ser)

Gene: APC (APC regulator of Wnt signaling pathway; plus strand). Cytogenetic location: 5q22.2.
Variant type: single nucleotide variant.
Coding change: c.1448G>C on transcript NM_000038.6 (MANE Select); coding-DNA position 1448, G replaced by C.
Protein change: p.Cys483Ser; replaces cysteine 483 with serine.
Molecular consequence: missense variant.
Genome position (GRCh38, 1-based): chr5:112,827,147, G>C. VCF-style: chr5-112827147-G-C. GRCh37 (hg19) VCF-style: chr5-112162844-G-C.
Other names: c.1448G>C, p.Cys483Ser (NM_001354895.2, NM_001127510.3); c.1502G>C, p.Cys501Ser (NM_001354896.2); c.1478G>C, p.Cys493Ser (NM_001354897.2); c.1373G>C, p.Cys458Ser (NM_001354898.2); c.1364G>C, p.Cys455Ser (NM_001354899.2); c.1325G>C, p.Cys442Ser (NM_001354900.2); c.1271G>C, p.Cys424Ser (NM_001354901.2); c.1175G>C, p.Cys392Ser (NM_001354902.2); and 5 more; short protein forms C200S, C323S, C357S, C382S, C392S, C424S, C442S, C455S.
Identifiers: ClinVar variation 1318510 (VCV001318510.7), dbSNP rs1763767675, ClinGen allele CA16024474.
Genomic context (GRCh38, chr5:112,827,147, plus strand): 5'-CTCTTGCCCTTTTTAAATTAGGGGGACTACAGGCCATTGCAGAATTATTGCAAGTGGACT[G>C]TGAAATGTATGGGCTTACTAATGACCACTACAGTATTACACTAAGACGATATGCTGGAAT-3'
Protein context (NP_000029.2, residues 473-493): QAIAELLQVD[Cys483Ser]EMYGLTNDHY

ClinVar aggregate classification (germline): Uncertain significance. Review status: criteria provided, multiple submitters, no conflicts (2 of 4 stars). 4 submissions from 4 submitters: Uncertain significance (4). Last evaluated 2024-03-14.

Conditions:
Familial adenomatous polyposis 1 (FAP1). Also called: POLYPOSIS, ADENOMATOUS INTESTINAL; FAMILIAL ADENOMATOUS POLYPOSIS 1, ATTENUATED. Identifiers: MedGen C2713442, MONDO:0021056, OMIM 175100. Disease mechanism: loss of function.
Hereditary cancer-predisposing syndrome. Also called: Hereditary Cancer Syndrome; Neoplastic Syndromes, Hereditary; Tumor predisposition; Hereditary neoplastic syndrome. Identifiers: Orphanet 140162, MedGen C0027672, MeSH D009386, MONDO:0015356.

gnomAD v4.1: 5 of 1,613,712 alleles (0.00031%); highest among the groups gnomAD compares: Non-Finnish European, 0.00042%; no homozygotes.

Submissions (4):

Labcorp Genetics (formerly Invitae), Labcorp
Classification: Uncertain significance for Familial adenomatous polyposis 1. Last evaluated: 2024-03-14. Review status: criteria provided, single submitter. Criteria: Invitae Variant Classification Sherloc (09022015). Collection method: clinical testing. Allele origin: germline.
Comment: This sequence change replaces cysteine, which is neutral and slightly polar, with serine, which is neutral and polar, at codon 483 of the APC protein (p.Cys483Ser). This variant is not present in population databases (gnomAD no frequency). This variant has not been reported in the literature in individuals affected with APC-related conditions. ClinVar contains an entry for this variant (Variation ID: 1318510). Advanced modeling of protein sequence and biophysical properties (such as structural, functional, and spatial information, amino acid conservation, physicochemical variation, residue mobility, and thermodynamic stability) performed at Invitae indicates that this missense variant is not expected to disrupt APC protein function with a negative predictive value of 95%. In summary, the available evidence is currently insufficient to determine the role of this variant in disease. Therefore, it has been classified as a Variant of Uncertain Significance.

Blueprint Genetics
Classification: Uncertain significance. Last evaluated: 2024-01-11. Review status: criteria provided, single submitter. Criteria: ACMG Guidelines, 2015. Collection method: clinical testing. Allele origin: germline.

Ambry Genetics
Classification: Uncertain significance for Hereditary cancer-predisposing syndrome. Last evaluated: 2023-12-04. Review status: criteria provided, single submitter. Criteria: Ambry Variant Classification Scheme 2023. Collection method: clinical testing. Allele origin: germline.
Comment: The p.C483S variant (also known as c.1448G>C), located in coding exon 11 of the APC gene, results from a G to C substitution at nucleotide position 1448. The cysteine at codon 483 is replaced by serine, an amino acid with dissimilar properties. This amino acid position is highly conserved in available vertebrate species. In addition, in silico predictors for this gene do not accurately predict pathogenicity. Since supporting evidence is limited at this time, the clinical significance of this alteration remains unclear.

GeneDx
Classification: Uncertain significance. Last evaluated: 2019-11-11. Review status: criteria provided, single submitter. Criteria: GeneDx Variant Classification Process June 2021. Collection method: clinical testing. Allele origin: germline. Affected: yes.
Comment: Not observed in large population cohorts (Lek 2016); In silico analysis, which includes protein predictors and evolutionary conservation, supports that this variant does not alter protein structure/function; Has not been previously published as pathogenic or benign to our knowledge